The following is an entry in ClinVar:

ClinVar aggregate classification (germline): Uncertain significance (1 of 4 stars; one submission).

Allele frequency attached by ClinVar (database versions not stated): gnomAD exomes below 0.00001; TOPMed 0.00001; ExAC 0.00002.
gnomAD v4.1: 4 of 1,613,786 alleles (0.00025%); highest among the groups gnomAD compares: Admixed American, 0.0033%; no homozygotes.

Submission:

Labcorp Genetics (formerly Invitae), Labcorp
Classification: Uncertain significance. Last evaluated: 2022-07-25. Review status: criteria provided, single submitter. Criteria: Invitae Variant Classification Sherloc (09022015). Collection method: clinical testing. Allele origin: germline.
Comment: In summary, the available evidence is currently insufficient to determine the role of this variant in disease. Therefore, it has been classified as a Variant of Uncertain Significance. Algorithms developed to predict the effect of missense changes on protein structure and function output the following: SIFT: "Tolerated"; PolyPhen-2: "Benign"; Align-GVGD: "Class C0". The phenylalanine amino acid residue is found in multiple mammalian species, which suggests that this missense change does not adversely affect protein function. This variant has not been reported in the literature in individuals affected with NDUFA4-related conditions. This variant is present in population databases (rs753418360, gnomAD 0.006%). This sequence change replaces leucine, which is neutral and non-polar, with phenylalanine, which is neutral and non-polar, at codon 2 of the NDUFA4 protein (p.Leu2Phe).

NM_002489.4(COXFA4):c.4C>T (p.Leu2Phe)

Gene: COXFA4 (cytochrome c oxidase associated subunit FA4; minus strand). Cytogenetic location: 7p21.3.
Variant type: single nucleotide variant.
Coding change: c.4C>T on transcript NM_002489.4 (MANE Select); coding-DNA position 4, C replaced by T.
Protein change: p.Leu2Phe; replaces leucine 2 with phenylalanine.
Molecular consequence: missense variant.
Genome position (GRCh38, 1-based): chr7:10,940,054, G>A on the plus strand (C>T on the coding strand, the complement: COXFA4 is on the minus strand). VCF-style: chr7-10940054-G-A. GRCh37 (hg19) VCF-style: chr7-10979681-G-A.
Other names: short protein forms L2F.
Identifiers: ClinVar variation 1908781 (VCV001908781.5), dbSNP rs753418360, ClinGen allele CA4162662.
Genomic context (GRCh38, chr7:10,940,054, plus strand): 5'-AGGAGAGCGGTCACGAACTTACGCTCGGATGCTTCTTGGCCTGACCGATGATCTGGCGGA[G>A]CATGTTTGCGGCAGAGGTCTCCGACTGGAAAGGAGAGAACCGACCTAGCCACCAGGCCCT-3'
Protein context (NP_002480.1, residues 1-12): M[Leu2Phe]RQIIGQAKKH